The following is an entry in ClinVar:

ClinVar aggregate classification (germline): Uncertain significance (1 of 4 stars; one submission).

Conditions:
3-methylglutaconic aciduria with deafness, encephalopathy, and Leigh-like syndrome (MEGDEL). Also called: SERAC1 Deficiency; 3-METHYLGLUTACONIC ACIDURIA, TYPE VI; MEGDEL syndrome. Identifiers: Orphanet 352328, MedGen C4040739, MONDO:0013875, OMIM 614739.

Allele frequency attached by ClinVar (database versions not stated): TOPMed 0.00002; gnomAD 0.00003; gnomAD exomes 0.00003; ExAC 0.00002.
gnomAD v4.1: 44 of 1,610,452 alleles (0.0027%); highest among the groups gnomAD compares: Admixed American, 0.01%; no homozygotes.

Submission:

Baylor Genetics
Classification: Uncertain significance for 3-methylglutaconic aciduria with deafness, encephalopathy, and Leigh-like syndrome. Last evaluated: 2018-02-08. Review status: criteria provided, single submitter. Criteria: ACMG Guidelines, 2015. Collection method: clinical testing. Allele origin: paternal. Affected: yes.
Comment: This variant was determined to be of uncertain significance according to ACMG Guidelines, 2015 [PMID:25741868].

NM_032861.4(SERAC1):c.1828+3A>G

Gene: SERAC1 (serine active site containing 1; minus strand). Cytogenetic location: 6q25.3.
Variant type: single nucleotide variant.
Coding change: c.1828+3A>G on transcript NM_032861.4 (MANE Select); 3 bases into the intron after coding-DNA position 1828, A replaced by G.
Molecular consequence: intron variant.
Genome position (GRCh38, 1-based): chr6:158,113,446, T>C on the plus strand (A>G on the coding strand, the complement: SERAC1 is on the minus strand). VCF-style: chr6-158113446-T-C. GRCh37 (hg19) VCF-style: chr6-158534478-T-C.
Identifiers: ClinVar variation 1031524 (VCV001031524.1), dbSNP rs773193644, ClinGen allele CA4070930.